The following is an entry in ClinVar:

ClinVar aggregate classification (germline): Uncertain significance (1 of 4 stars; one submission).

Submission:

GeneDx
Classification: Uncertain significance. Last evaluated: 2022-08-04. Review status: criteria provided, single submitter. Criteria: GeneDx Variant Classification Process June 2021. Collection method: clinical testing. Allele origin: germline. Affected: yes.
Comment: Not observed at significant frequency in large population cohorts (gnomAD); In silico analysis supports that this missense variant has a deleterious effect on protein structure/function; Missense variants in this gene are often considered pathogenic (HGMD); Has not been previously published as pathogenic or benign to our knowledge.

NM_002755.4(MAP2K1):c.920C>T (p.Pro307Leu)

Gene: MAP2K1 (mitogen-activated protein kinase kinase 1; plus strand). Cytogenetic location: 15q22.31.
Variant type: single nucleotide variant.
Coding change: c.920C>T on transcript NM_002755.4 (MANE Select); coding-DNA position 920, C replaced by T.
Protein change: p.Pro307Leu; replaces proline 307 with leucine.
Molecular consequence: missense variant.
Genome position (GRCh38, 1-based): chr15:66,487,252, C>T. VCF-style: chr15-66487252-C-T. GRCh37 (hg19) VCF-style: chr15-66779590-C-T.
Other names: short protein forms P307L.
Identifiers: ClinVar variation 1700523 (VCV001700523.2), dbSNP rs2140678942, ClinGen allele CA392937515.